The following is an entry in ClinVar:

NM_004946.3(DOCK2):c.1055C>T (p.Pro352Leu)

Gene: DOCK2 (dedicator of cytokinesis 2; plus strand). Cytogenetic location: 5q35.1.
Variant type: single nucleotide variant.
Coding change: c.1055C>T on transcript NM_004946.3 (MANE Select); coding-DNA position 1055, C replaced by T.
Protein change: p.Pro352Leu; replaces proline 352 with leucine.
Molecular consequence: missense variant. On other transcripts: non-coding transcript variant (1).
Genome position (GRCh38, 1-based): chr5:169,698,449, C>T. VCF-style: chr5-169698449-C-T. GRCh37 (hg19) VCF-style: chr5-169125453-C-T.
Other names: short protein forms P352L.
Identifiers: ClinVar variation 2087710 (VCV002087710.4), dbSNP rs1263037458, ClinGen allele CA362105291.

ClinVar aggregate classification (germline): Uncertain significance (1 of 4 stars; one submission).

Conditions:
DOCK2 deficiency. Also called: Immunodeficiency 40. Identifiers: Orphanet 447737, MedGen C4225328, MONDO:0014637, OMIM 616433.

Allele frequency attached by ClinVar (database versions not stated): TOPMed below 0.00001; gnomAD 0.00001.

Submission:

Labcorp Genetics (formerly Invitae), Labcorp
Classification: Uncertain significance for DOCK2 deficiency. Last evaluated: 2022-03-30. Review status: criteria provided, single submitter. Criteria: Invitae Variant Classification Sherloc (09022015). Collection method: clinical testing. Allele origin: germline.
Comment: In summary, the available evidence is currently insufficient to determine the role of this variant in disease. Therefore, it has been classified as a Variant of Uncertain Significance. Algorithms developed to predict the effect of missense changes on protein structure and function are either unavailable or do not agree on the potential impact of this missense change (SIFT: "Deleterious"; PolyPhen-2: "Benign"; Align-GVGD: "Class C0"). This variant has not been reported in the literature in individuals affected with DOCK2-related conditions. This variant is present in population databases (no rsID available, gnomAD 0.003%). This sequence change replaces proline, which is neutral and non-polar, with leucine, which is neutral and non-polar, at codon 352 of the DOCK2 protein (p.Pro352Leu).